The following is an entry in ClinVar:

NM_001382391.1(CSPP1):c.1643A>G (p.Gln548Arg)

Gene: CSPP1 (centrosome and spindle pole associated protein 1; plus strand). Cytogenetic location: 8q13.2.
Variant type: single nucleotide variant.
Coding change: c.1643A>G on transcript NM_001382391.1 (MANE Select); coding-DNA position 1643, A replaced by G.
Protein change: p.Gln548Arg; replaces glutamine 548 with arginine.
Molecular consequence: missense variant.
Genome position (GRCh38, 1-based): chr8:67,118,767, A>G. VCF-style: chr8-67118767-A-G. GRCh37 (hg19) VCF-style: chr8-68031002-A-G.
Other names: c.746A>G, p.Gln249Arg (NM_001291339.2); c.1562A>G, p.Gln521Arg (NM_001363131.2); c.1601A>G, p.Gln534Arg (NM_001363132.2); c.1520A>G, p.Gln507Arg (NM_001363133.2); c.1709A>G, p.Gln570Arg (NM_001364869.1); c.1529A>G, p.Gln510Arg (NM_001364870.1); c.1628A>G, p.Gln543Arg (NM_024790.7); short protein forms Q249R, Q507R, Q543R, Q548R, Q521R, Q570R, Q510R, Q534R.
Identifiers: ClinVar variation 1448758 (VCV001448758.9), dbSNP rs369723292, ClinGen allele CA4770609.

ClinVar aggregate classification (germline): Uncertain significance. Review status: criteria provided, multiple submitters, no conflicts (2 of 4 stars). 2 submissions from 2 submitters: Uncertain significance (2). Last evaluated 2025-12-18.

Conditions:
Joubert syndrome 21 (JBTS21). Identifiers: MedGen C3810212, MONDO:0014288, OMIM 615636.

gnomAD v4.1: 19 of 1,612,392 alleles (0.0012%); highest among the groups gnomAD compares: Non-Finnish European, 0.0015%; no homozygotes.

Submissions (2):

Labcorp Genetics (formerly Invitae), Labcorp
Classification: Uncertain significance for Joubert syndrome 21. Last evaluated: 2025-12-18. Review status: criteria provided, single submitter. Criteria: Invitae Variant Classification Sherloc (09022015). Collection method: clinical testing. Allele origin: germline.
Comment: This sequence change replaces glutamine, which is neutral and polar, with arginine, which is basic and polar, at codon 543 of the CSPP1 protein (p.Gln543Arg). This variant is present in population databases (rs369723292, gnomAD 0.006%). This variant has not been reported in the literature in individuals affected with CSPP1-related conditions. ClinVar contains an entry for this variant (Variation ID: 1448758). An algorithm developed to predict the effect of missense changes on protein structure and function (PolyPhen-2) suggests that this variant is likely to be tolerated. In summary, the available evidence is currently insufficient to determine the role of this variant in disease. Therefore, it has been classified as a Variant of Uncertain Significance.

Blueprint Genetics
Classification: Uncertain significance. Last evaluated: 2024-07-30. Review status: criteria provided, single submitter. Criteria: ACMG Guidelines, 2015. Collection method: clinical testing. Allele origin: germline.